The following is an entry in ClinVar:

ClinVar aggregate classification (germline): Uncertain significance (1 of 4 stars; one submission).

Submission:

GeneDx
Classification: Uncertain significance. Last evaluated: 2025-04-03. Review status: criteria provided, single submitter. Criteria: GeneDx Variant Classification Process June 2021. Collection method: clinical testing. Allele origin: germline. Affected: yes.
Comment: Not observed at significant frequency in large population cohorts (gnomAD); In silico analysis indicates that this missense variant does not alter protein structure/function; Has not been previously published as pathogenic or benign to our knowledge

NM_020732.3:c.2330C>G

Gene: ARID1B (AT-rich interaction domain 1B; plus strand).
Variant type: single nucleotide variant.
Other names: c.2330C>G (NM_020732.3).
Identifiers: ClinVar variation 4278530 (VCV004278530.1).